The following is an entry in ClinVar:

ClinVar aggregate classification (germline): Uncertain significance (1 of 4 stars; one submission).

Conditions:
Lethal congenital glycogen storage disease of heart. Also called: GLYCOGEN STORAGE DISEASE OF HEART; PHOSPHORYLASE KINASE DEFICIENCY OF HEART. Identifiers: Orphanet 439854, MedGen C1849813, MONDO:0009867, OMIM 261740.

Submission:

Labcorp Genetics (formerly Invitae), Labcorp
Classification: Uncertain significance for Lethal congenital glycogen storage disease of heart. Last evaluated: 2025-04-30. Review status: criteria provided, single submitter. Criteria: Invitae Variant Classification Sherloc (09022015). Collection method: clinical testing. Allele origin: germline.
Comment: This sequence change creates a premature translational stop signal (p.Ser101Profs*9) in the PRKAG2 gene. It is expected to result in an absent or disrupted protein product. However, the current clinical and genetic evidence is not sufficient to establish whether loss-of-function variants in PRKAG2 cause disease. This variant is not present in population databases (gnomAD no frequency). This variant has not been reported in the literature in individuals affected with PRKAG2-related conditions. In summary, the available evidence is currently insufficient to determine the role of this variant in disease. Therefore, it has been classified as a Variant of Uncertain Significance.

NM_016203.4(PRKAG2):c.254_300dup (p.Ser101delinsProProAlaProCysLeuHisLeuTer)

Gene: PRKAG2 (protein kinase AMP-activated non-catalytic subunit gamma 2; minus strand). Cytogenetic location: 7q36.1.
Variant type: Duplication.
Coding change: c.254_300dup on transcript NM_016203.4 (MANE Select); coding-DNA positions 254 to 300, 47 bases duplicated.
Protein change: p.Ser101delinsProProAlaProCysLeuHisLeuTer.
Molecular consequence: nonsense. On other transcripts: intron variant (1).
Genome position (GRCh38, 1-based): chr7:151,781,318-151,781,364, 47 bases duplicated; duplicating any 47 consecutive bases within chr7:151,781,318-151,781,375 gives the same sequence; the c. name uses the placement nearest the transcript's 3' end. GRCh37 (hg19): chr7:151,478,415-151,478,461.
Other names: c.122_168dup, p.Ser57delinsProProAlaProCysLeuHisLeuTer (NM_001040633.2, NM_001407024.1, NM_001407026.1 and 2 more transcripts); c.254_300dup, p.Ser101delinsProProAlaProCysLeuHisLeuTer (NM_001407021.1, NM_001407022.1, NM_001407023.1 and 2 more transcripts); c.148+33052_148+33098dup (NM_001407032.1).
Identifiers: ClinVar variation 4740351 (VCV004740351.1).
Genomic context (GRCh38, chr7:151,781,317, plus strand): 5'-TGCGTCGAGGGGAGCGTGGCGGGGACTCCTGGTAGGAGAACGGGAACACGGTTTTGGGAG[A>AGCCGGGGCTGGTCTTGGGCCTCACAGGTGCAGACATGGGGCTGGAGG]GCCGGGGCTGGTCTTGGGCCTCACAGGTGCAGACATGGGGCTGGAGGGCCGGGGCTGGGG-3'